The following is an entry in ClinVar:

NM_000188.3(HK1):c.533G>T (p.Ser178Ile)

Gene: HK1 (hexokinase 1; plus strand). Cytogenetic location: 10q22.1.
Variant type: single nucleotide variant.
Coding change: c.533G>T on transcript NM_000188.3 (MANE Select); coding-DNA position 533, G replaced by T.
Protein change: p.Ser178Ile; replaces serine 178 with isoleucine.
Molecular consequence: missense variant. On other transcripts: intron variant (1).
Genome position (GRCh38, 1-based): chr10:69,368,573, G>T. VCF-style: chr10-69368573-G-T. GRCh37 (hg19) VCF-style: chr10-71128329-G-T.
Other names: c.545G>T, p.Ser182Ile (NM_001322364.2, NM_001358263.1, NM_033497.3 and 1 more transcripts); c.638G>T, p.Ser213Ile (NM_001322365.2); c.449G>T, p.Ser150Ile (NM_001322366.1); c.530G>T, p.Ser177Ile (NM_033496.3); c.497G>T, p.Ser166Ile (NM_033500.2); c.496-664G>T (NM_001322367.1); short protein forms S150I, S166I, S177I, S178I, S182I, S213I.
Identifiers: ClinVar variation 3360891 (VCV003360891.1).

ClinVar aggregate classification (germline): Uncertain significance (1 of 4 stars; one submission).

Submission:

GeneDx
Classification: Uncertain significance. Last evaluated: 2023-07-06. Review status: criteria provided, single submitter. Criteria: GeneDx Variant Classification Process June 2021. Collection method: clinical testing. Allele origin: germline. Affected: yes.
Comment: Not observed at significant frequency in large population cohorts (gnomAD); In silico analysis supports that this missense variant has a deleterious effect on protein structure/function; Has not been previously published as pathogenic or benign to our knowledge